The following is an entry in ClinVar:

ClinVar aggregate classification (germline): Benign/Likely benign. Review status: criteria provided, multiple submitters, no conflicts (2 of 4 stars). 2 submissions from 2 submitters: Benign (1); Likely benign (1). Last evaluated 2024-08-26.

Conditions:
Familial cancer of breast. Also called: BREAST CANCER, FAMILIAL; Hereditary breast cancer; hereditary breast carcinoma. Identifiers: Orphanet 227535, MedGen C0346153, MONDO:0016419, OMIM 114480. Disease mechanism: loss of function.
Hereditary cancer-predisposing syndrome. Also called: Neoplastic Syndromes, Hereditary; Tumor predisposition; Hereditary neoplastic syndrome; Hereditary Cancer Syndrome. Identifiers: Orphanet 140162, MedGen C0027672, MeSH D009386, MONDO:0015356.

Submissions (2):

Myriad Genetics, Inc.
Classification: Benign for Familial cancer of breast. Last evaluated: 2024-08-26. Review status: criteria provided, single submitter. Criteria: Myriad Autosomal Dominant, Autosomal Recessive and X-Linked Classification Criteria (2023). Collection method: clinical testing. Allele origin: unknown.
Comment: This variant is considered benign. This variant is a silent/synonymous amino acid change and it is not expected to impact splicing.

Ambry Genetics
Classification: Likely benign for Hereditary cancer-predisposing syndrome. Last evaluated: 2022-12-04. Review status: criteria provided, single submitter. Criteria: Ambry Variant Classification Scheme 2023. Collection method: clinical testing. Allele origin: germline.

NM_032043.3(BRIP1):c.1230A>G (p.Val410=)

Gene: BRIP1 (BRCA1 interacting DNA helicase 1; minus strand). Cytogenetic location: 17q23.2.
Variant type: single nucleotide variant.
Coding change: c.1230A>G on transcript NM_032043.3 (MANE Select); coding-DNA position 1230, A replaced by G.
Protein change: p.Val410=; no amino-acid change (valine 410 retained).
Molecular consequence: synonymous variant.
Genome position (GRCh38, 1-based): chr17:61,799,210, T>C on the plus strand (A>G on the coding strand, the complement: BRIP1 is on the minus strand). VCF-style: chr17-61799210-T-C. GRCh37 (hg19) VCF-style: chr17-59876571-T-C.
Identifiers: ClinVar variation 2449922 (VCV002449922.3), dbSNP rs2145305804, ClinGen allele CA501151555.